The following is an entry in ClinVar:

NM_005732.4(RAD50):c.1073A>T (p.Asp358Val)

Gene: RAD50 (RAD50 double strand break repair protein; plus strand). Cytogenetic location: 5q31.1.
Variant type: single nucleotide variant.
Coding change: c.1073A>T on transcript NM_005732.4 (MANE Select); coding-DNA position 1073, A replaced by T.
Protein change: p.Asp358Val; replaces aspartic acid 358 with valine.
Molecular consequence: missense variant.
Genome position (GRCh38, 1-based): chr5:132,588,708, A>T. VCF-style: chr5-132588708-A-T. GRCh37 (hg19) VCF-style: chr5-131924400-A-T.
Other names: short protein forms D358V.
Identifiers: ClinVar variation 822120 (VCV000822120.5), dbSNP rs1185438471, ClinGen allele CA360942095.

ClinVar aggregate classification (germline): Uncertain significance (1 of 4 stars; one submission).

Conditions:
Hereditary cancer-predisposing syndrome. Also called: Tumor predisposition; Hereditary Cancer Syndrome; Neoplastic Syndromes, Hereditary; Hereditary neoplastic syndrome. Identifiers: Orphanet 140162, MedGen C0027672, MeSH D009386, MONDO:0015356.

Submission:

Ambry Genetics
Classification: Uncertain significance for Hereditary cancer-predisposing syndrome. Last evaluated: 2025-03-09. Review status: criteria provided, single submitter. Criteria: Ambry Variant Classification Scheme 2023. Collection method: clinical testing. Allele origin: germline.
Comment: The p.D358V variant (also known as c.1073A>T), located in coding exon 8 of the RAD50 gene, results from an A to T substitution at nucleotide position 1073. The aspartic acid at codon 358 is replaced by valine, an amino acid with highly dissimilar properties. This amino acid position is well conserved in available vertebrate species. In addition, the in silico prediction for this alteration is inconclusive. Since supporting evidence is limited at this time, the clinical significance of this alteration remains unclear.